The following is an entry in ClinVar:

ClinVar aggregate classification (germline): Uncertain significance (1 of 4 stars; one submission).

Conditions:
Ullrich congenital muscular dystrophy 2 (UCMD2). Identifiers: Orphanet 75840, MedGen C4225314, MONDO:0014654, OMIM 616470.
Bethlem myopathy 2 (BTHLM2). Identifiers: Orphanet 536516, Orphanet 610, MedGen C4225313, MONDO:0034022, OMIM 616471.

gnomAD v4.1: 1 of 1,607,206 alleles (0.000062%); no homozygotes.

Submission:

Labcorp Genetics (formerly Invitae), Labcorp
Classification: Uncertain significance for Bethlem myopathy 2; Ullrich congenital muscular dystrophy 2. Last evaluated: 2023-10-11. Review status: criteria provided, single submitter. Criteria: Invitae Variant Classification Sherloc (09022015). Collection method: clinical testing. Allele origin: germline.
Comment: This sequence change replaces leucine, which is neutral and non-polar, with valine, which is neutral and non-polar, at codon 2586 of the COL12A1 protein (p.Leu2586Val). This variant is not present in population databases (gnomAD no frequency). This variant has not been reported in the literature in individuals affected with COL12A1-related conditions. ClinVar contains an entry for this variant (Variation ID: 853027). Advanced modeling of protein sequence and biophysical properties (such as structural, functional, and spatial information, amino acid conservation, physicochemical variation, residue mobility, and thermodynamic stability) has been performed at Invitae for this missense variant, however the output from this modeling did not meet the statistical confidence thresholds required to predict the impact of this variant on COL12A1 protein function. In summary, the available evidence is currently insufficient to determine the role of this variant in disease. Therefore, it has been classified as a Variant of Uncertain Significance.

NM_004370.6(COL12A1):c.7756C>G (p.Leu2586Val)

Gene: COL12A1 (collagen type XII alpha 1 chain; minus strand). Cytogenetic location: 6q13.
Variant type: single nucleotide variant.
Coding change: c.7756C>G on transcript NM_004370.6 (MANE Select); coding-DNA position 7756, C replaced by G.
Protein change: p.Leu2586Val; replaces leucine 2586 with valine.
Molecular consequence: missense variant.
Genome position (GRCh38, 1-based): chr6:75,113,686, G>C on the plus strand (C>G on the coding strand, the complement: COL12A1 is on the minus strand). VCF-style: chr6-75113686-G-C. GRCh37 (hg19) VCF-style: chr6-75823402-G-C.
Other names: c.4264C>G, p.Leu1422Val (NM_080645.3); short protein forms L1422V, L2586V.
Identifiers: ClinVar variation 853027 (VCV000853027.10), dbSNP rs375113182, ClinGen allele CA141010873.